The following is an entry in ClinVar:

NM_001365276.2(TNXB):c.5950C>G (p.Pro1984Ala)

Gene: TNXB (tenascin XB; minus strand). Cytogenetic location: 6p21.33.
Variant type: single nucleotide variant.
Coding change: c.5950C>G on transcript NM_001365276.2 (MANE Select); coding-DNA position 5950, C replaced by G.
Protein change: p.Pro1984Ala; replaces proline 1984 with alanine.
Molecular consequence: missense variant.
Genome position (GRCh38, 1-based): chr6:32,068,660, G>C on the plus strand (C>G on the coding strand, the complement: TNXB is on the minus strand). VCF-style: chr6-32068660-G-C. GRCh37 (hg19) VCF-style: chr6-32036437-G-C.
Other names: c.6691C>G, p.Pro2231Ala (NM_001428335.1); c.5950C>G, p.Pro1984Ala (NM_019105.8); short protein forms P1984A, P2231A.
Identifiers: ClinVar variation 4865844 (VCV004865844.1).
Genomic context (GRCh38, chr6:32,068,660, plus strand): 5'-TGAGGGAGTCAGGGGTGGCATCTGTCACGGTCAGCTCCCCCAGGCGAGGCTTGATGGGGG[G>C]CTCGGGGGTTGCGGTGGGAGGTTCTGAAGGCTTCTCCTCCTCCGGGACTGGACAGAGACA-3'
Protein context (NP_001352205.1, residues 1974-1994): PSEPPTATPE[Pro1984Ala]PIKPRLGELT

ClinVar aggregate classification (germline): Uncertain significance (1 of 4 stars; one submission).

Conditions:
Cardiovascular phenotype. Identifiers: MedGen CN230736.

gnomAD v4.1: 2 of 1,613,934 alleles (0.00012%); highest among the groups gnomAD compares: South Asian, 0.0022%; no homozygotes.

Submission:

Ambry Genetics
Classification: Uncertain significance for Cardiovascular phenotype. Last evaluated: 2026-06-09. Review status: criteria provided, single submitter. Criteria: Ambry Variant Classification Scheme 2023. Collection method: clinical testing. Allele origin: germline.
Comment: The p.P1984A variant (also known as c.5950C>G), located in coding exon 16 of the TNXB gene, results from a C to G substitution at nucleotide position 5950. The proline at codon 1984 is replaced by alanine, an amino acid with highly similar properties. This amino acid position is conserved. In addition, this alteration is predicted to be tolerated by in silico analysis. Based on the available evidence, the clinical significance of this variant remains unclear.